The following is an entry in ClinVar:

ClinVar aggregate classification (germline): Uncertain significance. Review status: criteria provided, multiple submitters, no conflicts (2 of 4 stars). 2 submissions from 2 submitters: Uncertain significance (2). Last evaluated 2023-12-20.

gnomAD v4.1: 13 of 1,610,032 alleles (0.00081%); highest among the groups gnomAD compares: South Asian, 0.0033%; no homozygotes.

Submissions (2):

GeneDx
Classification: Uncertain significance. Last evaluated: 2023-12-20. Review status: criteria provided, single submitter. Criteria: GeneDx Variant Classification Process June 2021. Collection method: clinical testing. Allele origin: germline. Affected: yes.
Comment: Not observed at significant frequency in large population cohorts (gnomAD); In silico analysis supports that this missense variant does not alter protein structure/function; Has not been previously published as pathogenic or benign to our knowledge

Labcorp Genetics (formerly Invitae), Labcorp
Classification: Uncertain significance. Last evaluated: 2023-03-11. Review status: criteria provided, single submitter. Criteria: Invitae Variant Classification Sherloc (09022015). Collection method: clinical testing. Allele origin: germline.
Comment: In summary, the available evidence is currently insufficient to determine the role of this variant in disease. Therefore, it has been classified as a Variant of Uncertain Significance. Advanced modeling of protein sequence and biophysical properties (such as structural, functional, and spatial information, amino acid conservation, physicochemical variation, residue mobility, and thermodynamic stability) performed at Invitae indicates that this missense variant is not expected to disrupt SETD5 protein function. This variant has not been reported in the literature in individuals affected with SETD5-related conditions. This variant is present in population databases (no rsID available, gnomAD 0.003%). This sequence change replaces threonine, which is neutral and polar, with serine, which is neutral and polar, at codon 803 of the SETD5 protein (p.Thr803Ser).

NM_001080517.3(SETD5):c.2408C>G (p.Thr803Ser)

Gene: SETD5 (SET domain containing 5; plus strand). Cytogenetic location: 3p25.3.
Variant type: single nucleotide variant.
Coding change: c.2408C>G on transcript NM_001080517.3 (MANE Select); coding-DNA position 2408, C replaced by G.
Protein change: p.Thr803Ser; replaces threonine 803 with serine.
Molecular consequence: missense variant.
Genome position (GRCh38, 1-based): chr3:9,453,800, C>G. VCF-style: chr3-9453800-C-G. GRCh37 (hg19) VCF-style: chr3-9495484-C-G.
Other names: c.2114C>G, p.Thr705Ser (NM_001292043.2, NM_001349451.2); c.2408C>G (NM_001080517.1); short protein forms T705S, T803S.
Identifiers: ClinVar variation 3017905 (VCV003017905.4), dbSNP rs1035641407, ClinGen allele CA351703616.
Genomic context (GRCh38, chr3:9,453,800, plus strand): 5'-GCTGGATAAAACAAGCCTTAGAAGAAGGGATGACTCAAACATCATCTGTACCCCAAGAGA[C>G]TAGAACTCAGCACCTATACCAAAGCAATGAGAATAGTAGCTCTTCTAGTATCTGCAAAGA-3'
Protein context (NP_001073986.1, residues 793-813): MTQTSSVPQE[Thr803Ser]RTQHLYQSNE